The following is an entry in ClinVar:

ClinVar aggregate classification (germline): Pathogenic/Likely pathogenic. Review status: criteria provided, multiple submitters, no conflicts (2 of 4 stars). 13 submissions from 13 submitters: Pathogenic (6); Likely pathogenic (5). 2 of the submissions do not count toward it. Last evaluated 2026-03-12.

Conditions:
ALPL-related disorder. Also called: ALPL-related condition; ALPL-related disorders.
Hypophosphatasia. Also called: Phosphoethanol-aminuria. Identifiers: Orphanet 436, MedGen C0020630, MeSH D007014, MONDO:0018570.
Childhood hypophosphatasia. Identifiers: Orphanet 247667, Orphanet 436, MedGen C0220743, MONDO:1010168, OMIM 241510, MONDO:0009428.
Infantile hypophosphatasia. Identifiers: Orphanet 247651, Orphanet 436, MedGen C0268412, MONDO:1010169, OMIM 241500, MONDO:0009427.
Adult hypophosphatasia. Identifiers: Orphanet 247676, Orphanet 436, MedGen C0268413, MONDO:1010154, OMIM 146300, MONDO:0007798.

Allele frequency attached by ClinVar (database versions not stated): ExAC 0.00003; gnomAD 0.00004 and 0.00005; gnomAD exomes 0.00004 and 0.00006; TOPMed 0.00005; ESP Exome Variant Server 0.00008.
gnomAD v4.1: 85 of 1,612,488 alleles (0.0053%); highest among the groups gnomAD compares: Non-Finnish European, 0.007%; no homozygotes.

Submissions 1 to 10 of 13:

Clinical Genetics Laboratory, Skane University Hospital Lund
Classification: Pathogenic for Adult hypophosphatasia. Last evaluated: 2026-03-12. Review status: criteria provided, single submitter. Criteria: ACMG Guidelines, 2015. Collection method: clinical testing. Allele origin: germline. Affected: yes.
Comment: ALPL (NM_000478.6) c.1363G>A, p.(Gly455Ser) represents a nucleotide substitution in exon 12 of 12, resulting in the amino-acid substitution described above, which is predicted to impair protein function. Functional studies of this variant have demonstrated a deleterious effect on protein activity (PMID: 25736332; 17719863). ALPL c.1363G>A has been observed at a low allele frequency in the general population, has previously been reported in the literature (PMID: 17719863; 25731960; 27179278; 40746945), and is predominantly classified as likely pathogenic in ClinVar (Variation ID: 371400). The variant is also reported as pathogenic in the ALPL gene variant database. In addition, a different amino-acid substitution affecting the same codon has been reported as predominantly likely pathogenic in ClinVar (Variation ID: 1464855). Based on current evidence, the variant has been classified as pathogenic according to ACMG/AMP criteria: PS3_Supporting, PM2, PM3_Strong, PM5, PP3.

Labcorp Genetics (formerly Invitae), Labcorp
Classification: Pathogenic. Last evaluated: 2025-12-23. Review status: criteria provided, single submitter. Criteria: Invitae Variant Classification Sherloc (09022015). Collection method: clinical testing. Allele origin: germline.
Comment: This sequence change replaces glycine, which is neutral and non-polar, with serine, which is neutral and polar, at codon 455 of the ALPL protein (p.Gly455Ser). This variant is present in population databases (rs149889416, gnomAD 0.01%). This missense change has been observed in individual(s) with hypophosphatasia (PMID: 15135428, 17719863, 25731960, 25736332, 27179278). This variant is also known as G438S. ClinVar contains an entry for this variant (Variation ID: 371400). Invitae Evidence Modeling of protein sequence and biophysical properties (such as structural, functional, and spatial information, amino acid conservation, physicochemical variation, residue mobility, and thermodynamic stability) indicates that this missense variant is expected to disrupt ALPL protein function with a positive predictive value of 95%. Experimental studies have shown that this missense change affects ALPL function (PMID: 17719863). For these reasons, this variant has been classified as Pathogenic.

Genomenon, Inc
Classification: Likely pathogenic for Hypophosphatasia. Last evaluated: 2025-08-29. Review status: criteria provided, single submitter. Criteria: Genomenon Sequence Variant Interpretation Standards. Collection method: curation. Allele origin: germline. Affected: yes.
Comment: ALPL c.1363G>A is a missense variant that changes the amino acid at residue 455 from Glycine to Serine. This variant has been observed in at least one proband affected with hypophosphatasia (PMID:39224569;27179278;25736332;25731960;29774402;19500388). Functional studies have been reported;however, the significance of the findings remain unclear (PMID:17719863;25736332). It is absent or not present at a significant frequency in gnomAD. In silico models agree that this variant is possibly or probably damaging. In conclusion, we classify ALPL p.Gly455Ser (c.1363G>A) as a likely pathogenic variant.

Natera, Inc.
Classification: Pathogenic for Hypophosphatasia. Last evaluated: 2025-08-17. Review status: criteria provided, single submitter. Criteria: Natera Variant Classification Schema (03/2026). Collection method: clinical testing. Allele origin: germline.
Comment: The c.1363G>A variant in ALPL is a missense variant predicted to cause substitution of glycine to serine at amino acid 455. This variant is rare in the general population with a frequency below the threshold expected for the associated phenotype(s). This variant has been observed in one or more individuals affected with the associated recessive disease, as either homozygous or compound heterozygous with a second variant (PMID: 32973344, 27699270, 25731960, 25186178). A different variant at the same position has been determined to be Pathogenic or Likely Pathogenic. Computational prediction algorithms indicate this variant is likely to affect gene or protein function. Given the available evidence, this variant is classified as Pathogenic.

Women's Health and Genetics/Laboratory Corporation of America, LabCorp
Classification: Pathogenic for Hypophosphatasia. Last evaluated: 2025-03-19. Review status: criteria provided, single submitter. Criteria: LabCorp Variant Classification Summary - May 2015. Collection method: clinical testing. Allele origin: germline.
Comment: Variant summary: ALPL c.1363G>A (p.Gly455Ser) results in a non-conservative amino acid change in the encoded protein sequence. Four of five in-silico tools predict a damaging effect of the variant on protein function. The variant allele was found at a frequency of 4.5e-05 in 245118 control chromosomes. This frequency is not significantly higher than estimated for a pathogenic variant in ALPL causing Hypophosphatasia (4.5e-05 vs 0.0035), allowing no conclusion about variant significance. c.1363G>A has been reported in the literature in multiple individuals affected with Hypophosphatasia (e.g., Brun-Heath_2007, Cundy_2015, Draguet_2004, Olech_2016, Seefried_2021, Whyte_2015). These data indicate that the variant is very likely to be associated with disease. The following publications have been ascertained in the context of this evaluation (PMID: 17719863, 25736332, 15135428, 27179278, 32987199, 25731960). ClinVar contains an entry for this variant (Variation ID: 371400). Based on the evidence outlined above, the variant was classified as pathogenic.

Blueprint Genetics
Classification: Pathogenic for ALPL-related disorders. Last evaluated: 2024-11-08. Review status: criteria provided, single submitter. Criteria: ACMG Guidelines, 2015. Collection method: clinical testing. Allele origin: germline. Affected: yes. Observed: 5 variant alleles.

Fulgent Genetics
Classification: Likely pathogenic for Adult hypophosphatasia; Infantile hypophosphatasia; Childhood hypophosphatasia. Last evaluated: 2024-04-29. Review status: criteria provided, single submitter. Criteria: ACMG Guidelines, 2015. Collection method: clinical testing. Allele origin: germline.

Baylor Genetics
Classification: Likely pathogenic for Adult hypophosphatasia. Last evaluated: 2024-02-27. Review status: criteria provided, single submitter. Criteria: ACMG Guidelines, 2015. Collection method: clinical testing. Allele origin: unknown.

GeneDx
Classification: Likely pathogenic. Last evaluated: 2023-01-30. Review status: criteria provided, single submitter. Criteria: GeneDx Variant Classification Process June 2021. Collection method: clinical testing. Allele origin: germline. Affected: yes.
Comment: Published functional studies of residual alkaline phosphatase activity compared to wildtype yield inconsistent results (Brun-Heath et al., 2007; Fauvert et al., 2009; Cundy et al., 2015; Del Angel et al., 2020); In silico analysis supports that this missense variant has a deleterious effect on protein structure/function; This variant is associated with the following publications: (PMID: 17719863, 15135428, 27179278, 25736332, 18328985, 19500388, 25731960, 32160374, 31589614)

Genome-Nilou Lab
Classification: Likely pathogenic for Childhood hypophosphatasia. Last evaluated: 2021-07-22. Review status: criteria provided, single submitter. Criteria: ACMG Guidelines, 2015. Collection method: clinical testing. Allele origin: germline. Affected: no.

NM_000478.6(ALPL):c.1363G>A (p.Gly455Ser)

Gene: ALPL (alkaline phosphatase, biomineralization associated; plus strand). Cytogenetic location: 1p36.12.
Variant type: single nucleotide variant.
Coding change: c.1363G>A on transcript NM_000478.6 (MANE Select); coding-DNA position 1363, G replaced by A.
Protein change: p.Gly455Ser; replaces glycine 455 with serine.
Molecular consequence: missense variant.
Genome position (GRCh38, 1-based): chr1:21,577,436, G>A. VCF-style: chr1-21577436-G-A. GRCh37 (hg19) VCF-style: chr1-21903929-G-A.
Other names: c.1198G>A, p.Gly400Ser (NM_001127501.4); c.1132G>A, p.Gly378Ser (NM_001177520.3); c.1363G>A, p.Gly455Ser (NM_001369803.2, NM_001369804.2, NM_001369805.2); short protein forms G455S, G400S, G378S.
Identifiers: ClinVar variation 371400 (VCV000371400.30), dbSNP rs149889416, ClinGen allele CA666834.
Genomic context (GRCh38, chr1:21,577,436, plus strand): 5'-CCCACAGCTCACAACAACTACCAGGCGCAGTCTGCTGTGCCCCTGCGCCACGAGACCCAC[G>A]GCGGGGAGGACGTGGCCGTCTTCTCCAAGGGCCCCATGGCGCACCTGCTGCACGGCGTCC-3'
Protein context (NP_000469.3, residues 445-465): SAVPLRHETH[Gly455Ser]GEDVAVFSKG